The following is an entry in ClinVar:

NM_017644.3(KLHL24):c.1307A>C (p.Glu436Ala)

Gene: KLHL24 (kelch like family member 24; plus strand). Cytogenetic location: 3q27.1.
Variant type: single nucleotide variant.
Coding change: c.1307A>C on transcript NM_017644.3 (MANE Select); coding-DNA position 1307, A replaced by C.
Protein change: p.Glu436Ala; replaces glutamic acid 436 with alanine.
Molecular consequence: missense variant. On other transcripts: non-coding transcript variant (2).
Genome position (GRCh38, 1-based): chr3:183,671,116, A>C. VCF-style: chr3-183671116-A-C. GRCh37 (hg19) VCF-style: chr3-183388904-A-C.
Other names: c.1382A>C, p.Glu461Ala (NM_001349413.1, NM_001349414.1, NM_001349415.1 and 3 more transcripts); c.1307A>C, p.Glu436Ala (NM_001349419.1, NM_001349420.1, NM_001349421.1 and 5 more transcripts); c.464A>C, p.Glu155Ala (NM_001349428.1, NM_001349429.1); short protein forms E436A, E461A, E155A.
Identifiers: ClinVar variation 4988493 (VCV004988493.1).
Genomic context (GRCh38, chr3:183,671,116, plus strand): 5'-ATGGGCAAAACAGACTTAGCAGCGTAGAATGTTATGATTCCTTTTCAAATCGATGGACTG[A>C]AGTTGCTCCCCTTAAGGAAGCCGTGAGTTCTCCTGCAGTGACTAGCTGTGTAGGCAAACT-3'
Protein context (NP_060114.2, residues 426-446): CYDSFSNRWT[Glu436Ala]VAPLKEAVSS

ClinVar aggregate classification (germline): Uncertain significance (1 of 4 stars; one submission).

Conditions:
KLHL24-related disorder. Also called: KLHL24-related condition.

Submission:

PreventionGenetics, part of Exact Sciences
Classification: Uncertain significance for KLHL24-related condition. Last evaluated: 2026-03-11. Review status: criteria provided, single submitter. Criteria: ACMG Guidelines, 2015. Collection method: clinical testing. Allele origin: germline.
Comment: The KLHL24 c.1307A>C variant is predicted to result in the amino acid substitution p.Glu436Ala. To our knowledge, this variant has not been reported in the literature. This variant is reported in 0.012% of alleles in individuals of African descent in gnomAD. At this time, the clinical significance of this variant is uncertain due to the absence of conclusive functional and genetic evidence.